The following is an entry in ClinVar:

ClinVar aggregate classification (germline): Likely pathogenic (1 of 4 stars; one submission).

Conditions:
Metachromatic leukodystrophy (MLD). Also called: Arylsulfatase A Deficiency; SULFATIDE LIPIDOSIS; ARSA DEFICIENCY; CEREBROSIDE SULFATASE DEFICIENCY; METACHROMATIC LEUKOENCEPHALOPATHY; Cerebral sclerosis diffuse metachromatic form. Identifiers: Orphanet 512, MedGen C0023522, MONDO:0018868, OMIM 250100.

Submission:

Labcorp Genetics (formerly Invitae), Labcorp
Classification: Likely pathogenic for Metachromatic leukodystrophy. Last evaluated: 2022-11-29. Review status: criteria provided, single submitter. Criteria: Invitae Variant Classification Sherloc (09022015). Collection method: clinical testing. Allele origin: germline.
Comment: Advanced modeling of protein sequence and biophysical properties (such as structural, functional, and spatial information, amino acid conservation, physicochemical variation, residue mobility, and thermodynamic stability) performed at Invitae indicates that this missense variant is expected to disrupt ARSA protein function. ClinVar contains an entry for this variant (Variation ID: 1496080). This variant has not been reported in the literature in individuals affected with ARSA-related conditions. This variant is not present in population databases (gnomAD no frequency). This sequence change replaces glutamine, which is neutral and polar, with glutamic acid, which is acidic and polar, at codon 234 of the ARSA protein (p.Gln234Glu). Algorithms developed to predict the effect of sequence changes on RNA splicing suggest that this variant may disrupt the consensus splice site. In summary, the currently available evidence indicates that the variant is pathogenic, but additional data are needed to prove that conclusively. Therefore, this variant has been classified as Likely Pathogenic. This variant disrupts the p.Gln234 amino acid residue in ARSA. Other variant(s) that disrupt this residue have been determined to be pathogenic (Invitae). This suggests that this residue is clinically significant, and that variants that disrupt this residue are likely to be disease-causing.

NM_000487.6(ARSA):c.700C>G (p.Gln234Glu)

Gene: ARSA (arylsulfatase A; minus strand). Cytogenetic location: 22q13.33.
Variant type: single nucleotide variant.
Coding change: c.700C>G on transcript NM_000487.6 (MANE Select); coding-DNA position 700, C replaced by G.
Protein change: p.Gln234Glu; replaces glutamine 234 with glutamic acid.
Molecular consequence: missense variant.
Genome position (GRCh38, 1-based): chr22:50,626,745, G>C on the plus strand (C>G on the coding strand, the complement: ARSA is on the minus strand). VCF-style: chr22-50626745-G-C. GRCh37 (hg19) VCF-style: chr22-51065173-G-C.
Other names: c.700C>G, p.Gln234Glu (NM_001085425.3, NM_001085426.3, NM_001085427.3); c.442C>G, p.Gln148Glu (NM_001085428.3, NM_001362782.2); short protein forms Q148E, Q234E.
Identifiers: ClinVar variation 1496080 (VCV001496080.8), dbSNP rs2082676249, ClinGen allele CA412176698.